The following is an entry in ClinVar:

NM_001042492.3(NF1):c.1939C>A (p.His647Asn)

Gene: NF1 (neurofibromin 1; plus strand). Cytogenetic location: 17q11.2.
Variant type: single nucleotide variant.
Coding change: c.1939C>A on transcript NM_001042492.3 (MANE Select); coding-DNA position 1939, C replaced by A.
Protein change: p.His647Asn; replaces histidine 647 with asparagine.
Molecular consequence: missense variant.
Genome position (GRCh38, 1-based): chr17:31,225,188, C>A. VCF-style: chr17-31225188-C-A. GRCh37 (hg19) VCF-style: chr17-29552206-C-A.
Other names: c.1939C>A, p.His647Asn (NM_000267.4); short protein forms H647N.
Identifiers: ClinVar variation 2772858 (VCV002772858.3), dbSNP rs776251084, ClinGen allele CA399005423.
Genomic context (GRCh38, chr17:31,225,188, plus strand): 5'-TTTTACGGGGTAGGATGTGATATTCCTTCTAGTGGAAATACCAGTCAAATGTCCATGGAT[C>A]ATGAAGAATTACTACGTACTCCTGGAGCCTCTCTCCGGAAGGGAAAAGGGAACTCCTCTA-3'
Protein context (NP_001035957.1, residues 637-657): SGNTSQMSMD[His647Asn]EELLRTPGAS

ClinVar aggregate classification (germline): Uncertain significance (1 of 4 stars; one submission).

Conditions:
Neurofibromatosis, type 1 (NF1). Also called: VON RECKLINGHAUSEN DISEASE; Peripheral type neurofibromatosis; Neurofibromatosis, type I; NEUROFIBROMATOSIS, TYPE I, SOMATIC. Identifiers: Orphanet 636, MedGen C0027831, MONDO:0018975, OMIM 162200. Disease mechanism: loss of function.

Submission:

Labcorp Genetics (formerly Invitae), Labcorp
Classification: Uncertain significance for Neurofibromatosis, type 1. Last evaluated: 2023-11-24. Review status: criteria provided, single submitter. Criteria: Invitae Variant Classification Sherloc (09022015). Collection method: clinical testing. Allele origin: germline.
Comment: This sequence change replaces histidine, which is basic and polar, with asparagine, which is neutral and polar, at codon 647 of the NF1 protein (p.His647Asn). This variant is not present in population databases (gnomAD no frequency). This variant has not been reported in the literature in individuals affected with NF1-related conditions. Advanced modeling of protein sequence and biophysical properties (such as structural, functional, and spatial information, amino acid conservation, physicochemical variation, residue mobility, and thermodynamic stability) performed at Invitae indicates that this missense variant is not expected to disrupt NF1 protein function with a negative predictive value of 95%. In summary, the available evidence is currently insufficient to determine the role of this variant in disease. Therefore, it has been classified as a Variant of Uncertain Significance.